The following is an entry in ClinVar:

NM_001367916.1(MAGT1):c.514G>A (p.Asp172Asn)

Gene: MAGT1 (magnesium transporter 1; minus strand). Cytogenetic location: Xq21.1.
Variant type: single nucleotide variant.
Coding change: c.514G>A on transcript NM_001367916.1 (MANE Select); coding-DNA position 514, G replaced by A.
Protein change: p.Asp172Asn; replaces aspartic acid 172 with asparagine.
Molecular consequence: missense variant.
Genome position (GRCh38, 1-based): chrX:77,857,374, C>T on the plus strand (G>A on the coding strand, the complement: MAGT1 is on the minus strand). VCF-style: chrX-77857374-C-T. GRCh37 (hg19) VCF-style: chrX-77112871-C-T.
Other names: c.610G>A, p.Asp204Asn (NM_032121.5); short protein forms D204N, D172N.
Identifiers: ClinVar variation 2980083 (VCV002980083.3), dbSNP rs368343097, ClinGen allele CA10458520.

ClinVar aggregate classification (germline): Uncertain significance (1 of 4 stars; one submission).

Conditions:
X-linked immunodeficiency with magnesium defect, Epstein-Barr virus infection and neoplasia. Identifiers: Orphanet 317476, MedGen C3275445, MONDO:0010455, OMIM 300853.

Allele frequency attached by ClinVar (database versions not stated): ExAC 0.00002; gnomAD 0.00002; TOPMed 0.00002; ESP Exome Variant Server 0.00009.
gnomAD v4.1: 7 of 1,209,461 alleles (0.00058%); highest among the groups gnomAD compares: East Asian, 0.003%; no homozygotes.

Submission:

Labcorp Genetics (formerly Invitae), Labcorp
Classification: Uncertain significance for X-linked immunodeficiency with magnesium defect, Epstein-Barr virus infection and neoplasia. Last evaluated: 2023-03-01. Review status: criteria provided, single submitter. Criteria: Invitae Variant Classification Sherloc (09022015). Collection method: clinical testing. Allele origin: germline.
Comment: In summary, the available evidence is currently insufficient to determine the role of this variant in disease. Therefore, it has been classified as a Variant of Uncertain Significance. Advanced modeling of protein sequence and biophysical properties (such as structural, functional, and spatial information, amino acid conservation, physicochemical variation, residue mobility, and thermodynamic stability) performed at Invitae indicates that this missense variant is not expected to disrupt MAGT1 protein function. This variant has not been reported in the literature in individuals affected with MAGT1-related conditions. This variant is present in population databases (rs368343097, gnomAD 0.008%), including at least one homozygous and/or hemizygous individual. This sequence change replaces aspartic acid, which is acidic and polar, with asparagine, which is neutral and polar, at codon 204 of the MAGT1 protein (p.Asp204Asn).